The following is an entry in ClinVar:

NM_000089.4(COL1A2):c.*654_*655insGTTGTCC

Gene: COL1A2 (collagen type I alpha 2 chain; plus strand). Cytogenetic location: 7q21.3.
Variant type: Insertion.
Coding change: c.*654_*655insGTTGTCC on transcript NM_000089.4 (MANE Select); 654 bases downstream of the stop codon through 655 bases downstream of the stop codon, GTTGTCC inserted.
Molecular consequence: 3 prime UTR variant.
Genome position: GRCh38 VCF-style: chr7-94431047-A-AGTTGTCC. GRCh37 (hg19) VCF-style: chr7-94060359-A-AGTTGTCC.
Identifiers: ClinVar variation 360983 (VCV000360983.7), dbSNP rs3917, ClinGen allele CA10624419.

ClinVar aggregate classification (germline): Benign (1 of 4 stars; one submission).

Allele frequency attached by ClinVar (database versions not stated): gnomAD exomes 0.55093; TOPMed 0.70254; 1000 Genomes Project 0.78794.

Submission:

GeneDx
Classification: Benign. Last evaluated: 2019-04-20. Review status: criteria provided, single submitter. Criteria: GeneDx Variant Classification Process June 2021. Collection method: clinical testing. Allele origin: germline. Affected: yes.
Comment: This variant is associated with the following publications: (PMID: 23849651, 30825231, 28738217)